The following is an entry in ClinVar:

ClinVar aggregate classification (germline): Uncertain significance (1 of 4 stars; one submission).

Conditions:
Hereditary cancer-predisposing syndrome. Also called: Hereditary Cancer Syndrome; Neoplastic Syndromes, Hereditary; Tumor predisposition; Hereditary neoplastic syndrome. Identifiers: Orphanet 140162, MedGen C0027672, MeSH D009386, MONDO:0015356.

Submission:

Ambry Genetics
Classification: Uncertain significance for Hereditary cancer-predisposing syndrome. Last evaluated: 2017-04-07. Review status: criteria provided, single submitter. Criteria: Ambry Variant Classification Scheme 2023. Collection method: clinical testing. Allele origin: germline.
Comment: The p.K215T variant (also known as c.644A>C), located in coding exon 5 of the ATM gene, results from an A to C substitution at nucleotide position 644. The lysine at codon 215 is replaced by threonine, an amino acid with similar properties. This amino acid position is well conserved in available vertebrate species. In addition, this alteration is predicted to be tolerated by in silico analysis. Since supporting evidence is limited at this time, the clinical significance of this alteration remains unclear.

NM_000051.4(ATM):c.644A>C (p.Lys215Thr)

Gene: ATM (ATM serine/threonine kinase; plus strand). Cytogenetic location: 11q22.3.
Variant type: single nucleotide variant.
Coding change: c.644A>C on transcript NM_000051.4 (MANE Select); coding-DNA position 644, A replaced by C.
Protein change: p.Lys215Thr; replaces lysine 215 with threonine.
Molecular consequence: missense variant.
Genome position (GRCh38, 1-based): chr11:108,244,100, A>C. VCF-style: chr11-108244100-A-C. GRCh37 (hg19) VCF-style: chr11-108114827-A-C.
Other names: c.644A>C, p.Lys215Thr (NM_001351834.2); short protein forms K215T.
Identifiers: ClinVar variation 481336 (VCV000481336.5), dbSNP rs755074633, ClinGen allele CA382528496.